The following is an entry in ClinVar:

ClinVar aggregate classification (germline): Uncertain significance (1 of 4 stars; one submission).

Submission:

Labcorp Genetics (formerly Invitae), Labcorp
Classification: Uncertain significance. Last evaluated: 2025-08-19. Review status: criteria provided, single submitter. Criteria: Invitae Variant Classification Sherloc (09022015). Collection method: clinical testing. Allele origin: germline.
Comment: This sequence change creates a premature translational stop signal (p.Ser1198*) in the TRAPPC9 gene. While this is not anticipated to result in nonsense mediated decay, it is expected to disrupt the last 49 amino acid(s) of the TRAPPC9 protein. This variant is not present in population databases (gnomAD no frequency). This variant has not been reported in the literature in individuals affected with TRAPPC9-related conditions. Experimental studies and prediction algorithms are not available or were not evaluated, and the functional significance of this variant is currently unknown. In summary, the available evidence is currently insufficient to determine the role of this variant in disease. Therefore, it has been classified as a Variant of Uncertain Significance.

NM_001160372.4(TRAPPC9):c.3299C>A (p.Ser1100Ter)

Gene: TRAPPC9 (trafficking protein particle complex subunit 9; minus strand). Cytogenetic location: 8q24.3.
Variant type: single nucleotide variant.
Coding change: c.3299C>A on transcript NM_001160372.4 (MANE Select); coding-DNA position 3299, C replaced by A.
Protein change: p.Ser1100Ter; replaces serine 1100 with a stop codon.
Molecular consequence: nonsense. On other transcripts: non-coding transcript variant (1).
Genome position (GRCh38, 1-based): chr8:139,731,209, G>T on the plus strand (C>A on the coding strand, the complement: TRAPPC9 is on the minus strand). VCF-style: chr8-139731209-G-T. GRCh37 (hg19) VCF-style: chr8-140743452-G-T.
Other names: c.3272C>A, p.Ser1091Ter (NM_001321646.2); c.3320C>A, p.Ser1107Ter (NM_001374682.1); c.3188C>A, p.Ser1063Ter (NM_001374683.1); c.3155C>A, p.Ser1052Ter (NM_001374684.1); c.3299C>A, p.Ser1100Ter (NM_031466.8); short protein forms S1052*, S1063*, S1100*, S1107*, S1091*.
Identifiers: ClinVar variation 4692613 (VCV004692613.1).